The following is an entry in ClinVar:

NM_001999.4(FBN2):c.2572A>G (p.Ser858Gly)

Gene: FBN2 (fibrillin 2; minus strand). Cytogenetic location: 5q23.3.
Variant type: single nucleotide variant.
Coding change: c.2572A>G on transcript NM_001999.4 (MANE Select); coding-DNA position 2572, A replaced by G.
Protein change: p.Ser858Gly; replaces serine 858 with glycine.
Molecular consequence: missense variant.
Genome position (GRCh38, 1-based): chr5:128,357,378, T>C on the plus strand (A>G on the coding strand, the complement: FBN2 is on the minus strand). VCF-style: chr5-128357378-T-C. GRCh37 (hg19) VCF-style: chr5-127693070-T-C.
Other names: c.2572A>G (NM_001999.3); short protein forms S858G.
Identifiers: ClinVar variation 2916991 (VCV002916991.5), dbSNP rs746173019, ClinGen allele CA3395495.

ClinVar aggregate classification (germline): Conflicting classifications of pathogenicity. Review status: criteria provided, conflicting classifications (1 of 4 stars). 3 submissions from 3 submitters: Uncertain significance (2); Likely benign (1). Last evaluated 2025-05-27.

Conditions:
Congenital contractural arachnodactyly (CCA). Also called: BEALS SYNDROME; Arthrogryposis, distal, type 9; Beals-Hecht syndrome. Identifiers: Orphanet 115, MedGen C0220668, MONDO:0007363, OMIM 121050.

Allele frequency attached by ClinVar (database versions not stated): gnomAD exomes 0.00004; ExAC 0.00009.
gnomAD v4.1: 23 of 1,613,940 alleles (0.0014%); highest among the groups gnomAD compares: Non-Finnish European, 0.0019%; no homozygotes.

Submissions (3):

GeneDx
Classification: Uncertain significance. Last evaluated: 2025-05-27. Review status: criteria provided, single submitter. Criteria: GeneDx Variant Classification Process June 2021. Collection method: clinical testing. Allele origin: germline. Affected: yes.
Comment: In silico analysis supports that this missense variant has a deleterious effect on protein structure/function; Has not been previously published as pathogenic or benign to our knowledge

Labcorp Genetics (formerly Invitae), Labcorp
Classification: Likely benign for Congenital contractural arachnodactyly. Last evaluated: 2025-02-04. Review status: criteria provided, single submitter. Criteria: Invitae Variant Classification Sherloc (09022015). Collection method: clinical testing. Allele origin: germline.

Clinical Genetics Laboratory, Skane University Hospital Lund
Classification: Uncertain significance. Last evaluated: 2023-02-06. Review status: criteria provided, single submitter. Criteria: ACMG Guidelines, 2015. Collection method: clinical testing. Allele origin: germline. Affected: yes.